The following is an entry in ClinVar:

ClinVar aggregate classification (germline): Uncertain significance. Review status: criteria provided, multiple submitters, no conflicts (2 of 4 stars). 2 submissions from 2 submitters: Uncertain significance (2). Last evaluated 2024-02-24.

Allele frequency attached by ClinVar (database versions not stated): gnomAD 0.00001; TOPMed 0.00002; ExAC 0.00005.
gnomAD v4.1: 43 of 1,550,128 alleles (0.0028%); highest among the groups gnomAD compares: South Asian, 0.027%; no homozygotes.

Submissions (2):

Labcorp Genetics (formerly Invitae), Labcorp
Classification: Uncertain significance. Last evaluated: 2024-02-24. Review status: criteria provided, single submitter. Criteria: Invitae Variant Classification Sherloc (09022015). Collection method: clinical testing. Allele origin: germline.
Comment: This sequence change replaces arginine, which is basic and polar, with serine, which is neutral and polar, at codon 179 of the VAV1 protein (p.Arg179Ser). This variant is present in population databases (rs745430064, gnomAD 0.02%). This variant has not been reported in the literature in individuals affected with VAV1-related conditions. ClinVar contains an entry for this variant (Variation ID: 1412527). An algorithm developed to predict the effect of missense changes on protein structure and function (PolyPhen-2) suggests that this variant is likely to be disruptive. In summary, the available evidence is currently insufficient to determine the role of this variant in disease. Therefore, it has been classified as a Variant of Uncertain Significance.

Ambry Genetics
Classification: Uncertain significance. Last evaluated: 2024-01-17. Review status: criteria provided, single submitter. Criteria: Ambry Variant Classification Scheme 2023. Collection method: clinical testing. Allele origin: germline.

NM_005428.4(VAV1):c.535C>A (p.Arg179Ser)

Gene: VAV1 (vav guanine nucleotide exchange factor 1; plus strand). Cytogenetic location: 19p13.3.
Variant type: single nucleotide variant.
Coding change: c.535C>A on transcript NM_005428.4 (MANE Select); coding-DNA position 535, C replaced by A.
Protein change: p.Arg179Ser; replaces arginine 179 with serine.
Molecular consequence: missense variant.
Genome position (GRCh38, 1-based): chr19:6,822,306, C>A. VCF-style: chr19-6822306-C-A. GRCh37 (hg19) VCF-style: chr19-6822317-C-A.
Other names: c.535C>A, p.Arg179Ser (NM_001258206.2, NM_001258207.2); c.535C>A (NM_005428.2); short protein forms R179S.
Identifiers: ClinVar variation 1412527 (VCV001412527.9), dbSNP rs745430064, ClinGen allele CA9132258.